The following is an entry in ClinVar:

ClinVar aggregate classification (germline): Conflicting classifications of pathogenicity. Review status: criteria provided, conflicting classifications (1 of 4 stars). 4 submissions from 4 submitters: Uncertain significance (3); Likely benign (1). Last evaluated 2026-07-20.

Conditions:
Congenital lactic acidosis, Saguenay-Lac-Saint-Jean type (MC4DN5). Also called: CYTOCHROME c OXIDASE DEFICIENCY, FRENCH CANADIAN TYPE; COX DEFICIENCY, FRENCH CANADIAN TYPE; MITOCHONDRIAL COMPLEX IV DEFICIENCY, NUCLEAR TYPE 5. Identifiers: Orphanet 70472, MedGen C1857355, MONDO:0009069, OMIM 220111.
Inborn genetic diseases. Identifiers: MedGen C0950123, MeSH D030342.

Allele frequency attached by ClinVar (database versions not stated): TOPMed 0.00047; ESP Exome Variant Server 0.00046; gnomAD exomes 0.00005; 1000 Genomes Project 0.00020; gnomAD 0.00038; ExAC 0.00014; 1000 Genomes Project 30x 0.00031.
gnomAD v4.1: 127 of 1,609,860 alleles (0.0079%); highest among the groups gnomAD compares: African/African-American, 0.13%; no homozygotes.

Submissions (4):

GeneDx
Classification: Uncertain significance. Last evaluated: 2026-07-20. Review status: criteria provided, single submitter. Criteria: GeneDx Variant Classification Process June 2021. Collection method: clinical testing. Allele origin: germline.
Comment: In silico analysis supports that this missense variant has a deleterious effect on protein structure/function; Has not been previously published as pathogenic or benign to our knowledge; This variant is associated with the following publications: (PMID: 32461654, 28518168)

Revvity Omics, Revvity
Classification: Uncertain significance for Congenital lactic acidosis, Saguenay-Lac-Saint-Jean type. Last evaluated: 2024-02-27. Review status: criteria provided, single submitter. Criteria: ACMG Guidelines, 2015. Collection method: clinical testing. Allele origin: germline.

Labcorp Genetics (formerly Invitae), Labcorp
Classification: Uncertain significance. Last evaluated: 2022-09-07. Review status: criteria provided, single submitter. Criteria: Invitae Variant Classification Sherloc (09022015). Collection method: clinical testing. Allele origin: germline.
Comment: This sequence change replaces serine, which is neutral and polar, with leucine, which is neutral and non-polar, at codon 1206 of the LRPPRC protein (p.Ser1206Leu). This variant is present in population databases (rs147257615, gnomAD 0.1%). This variant has not been reported in the literature in individuals affected with LRPPRC-related conditions. Algorithms developed to predict the effect of missense changes on protein structure and function are either unavailable or do not agree on the potential impact of this missense change (SIFT: "Tolerated"; PolyPhen-2: "Probably Damaging"; Align-GVGD: "Class C15"). In summary, the available evidence is currently insufficient to determine the role of this variant in disease. Therefore, it has been classified as a Variant of Uncertain Significance.

Ambry Genetics
Classification: Likely benign for Inborn genetic diseases. Last evaluated: 2022-06-08. Review status: criteria provided, single submitter. Criteria: Ambry Variant Classification Scheme 2023. Collection method: clinical testing. Allele origin: germline.

Literature cited by the submitters: PubMed 28518168 (cited by Ambry Genetics); PubMed 32461654 (cited by Ambry Genetics).

NM_133259.4(LRPPRC):c.3617C>T (p.Ser1206Leu)

Gene: LRPPRC (leucine rich pentatricopeptide repeat containing; minus strand). Cytogenetic location: 2p21.
Variant type: single nucleotide variant.
Coding change: c.3617C>T on transcript NM_133259.4 (MANE Select); coding-DNA position 3617, C replaced by T.
Protein change: p.Ser1206Leu; replaces serine 1206 with leucine.
Molecular consequence: missense variant.
Genome position (GRCh38, 1-based): chr2:43,899,558, G>A on the plus strand (C>T on the coding strand, the complement: LRPPRC is on the minus strand). VCF-style: chr2-43899558-G-A. GRCh37 (hg19) VCF-style: chr2-44126697-G-A.
Other names: short protein forms S1206L.
Identifiers: ClinVar variation 2057991 (VCV002057991.5), dbSNP rs147257615, ClinGen allele CA1638012.